The following is an entry in ClinVar:

NM_000548.5(TSC2):c.975+9G>T

Gene: TSC2 (TSC complex subunit 2; plus strand). Cytogenetic location: 16p13.3.
Variant type: single nucleotide variant.
Coding change: c.975+9G>T on transcript NM_000548.5 (MANE Select); 9 bases into the intron after coding-DNA position 975, G replaced by T.
Molecular consequence: intron variant.
Genome position (GRCh38, 1-based): chr16:2,058,882, G>T. VCF-style: chr16-2058882-G-T. GRCh37 (hg19) VCF-style: chr16-2108883-G-T.
Other names: c.-457+9G>T (NM_001406693.1, NM_001406689.1, NM_001406690.1 and 4 more transcripts); c.1065+9G>T (NM_001406667.1, NM_001406668.1); c.375+9G>T (NM_001406680.1, NM_001406683.1, NM_001406687.1 and 6 more transcripts); c.-633+9G>T (NM_001406698.1); c.975+9G>T (NM_001114382.3, NM_001406663.1, NM_001406664.1 and 6 more transcripts); c.-338+9G>T (NM_001406694.1, NM_001406695.1); c.963+9G>T (NM_001406671.1, NM_001406673.1); c.513+9G>T (NM_001406681.1); and 4 more.
Identifiers: ClinVar variation 4071241 (VCV004071241.1).

ClinVar aggregate classification (germline): Likely benign (1 of 4 stars; one submission).

Conditions:
Tuberous sclerosis 2 (TSC2). Identifiers: Orphanet 805, MedGen C1860707, MONDO:0013199, OMIM 613254.

Submission:

Myriad Genetics, Inc.
Classification: Likely benign for Tuberous sclerosis 2. Last evaluated: 2025-05-12. Review status: criteria provided, single submitter. Criteria: Myriad Autosomal Dominant, Autosomal Recessive and X-Linked Classification Criteria (2023). Collection method: clinical testing. Allele origin: unknown.
Comment: This variant is considered likely benign. This variant is intronic and is not expected to impact mRNA splicing.